The following is an entry in ClinVar:

ClinVar aggregate classification (germline): Likely benign. Review status: criteria provided, multiple submitters, no conflicts (2 of 4 stars). 3 submissions from 3 submitters: Likely benign (3). Last evaluated 2026-03-01.

Conditions:
Neurodevelopmental disorder with or without hyperkinetic movements and seizures, autosomal dominant. Also called: Intellectual disability, autosomal dominant 8. Identifiers: MedGen C3280282, MONDO:0013655, OMIM 614254.

Allele frequency attached by ClinVar (database versions not stated): TOPMed 0.00002; gnomAD 0.00003; ExAC 0.00002; gnomAD exomes 0.00002.
gnomAD v4.1: 39 of 1,612,568 alleles (0.0024%); highest among the groups gnomAD compares: Non-Finnish European, 0.0032%; no homozygotes.

Submissions (3):

CeGaT Center for Human Genetics Tuebingen
Classification: Likely benign. Last evaluated: 2026-03-01. Review status: criteria provided, single submitter. Criteria: CeGaT Center For Human Genetics Tuebingen Variant Classification Criteria Version 2. Collection method: clinical testing. Allele origin: germline. Affected: yes. Observed: 1 variant allele.
Comment: GRIN1: BP4, BP7

Labcorp Genetics (formerly Invitae), Labcorp
Classification: Likely benign for Neurodevelopmental disorder with or without hyperkinetic movements and seizures, autosomal dominant. Last evaluated: 2025-06-19. Review status: criteria provided, single submitter. Criteria: Invitae Variant Classification Sherloc (09022015). Collection method: clinical testing. Allele origin: germline.

Blueprint Genetics
Classification: Likely benign. Last evaluated: 2024-11-13. Review status: criteria provided, single submitter. Criteria: ACMG Guidelines, 2015. Collection method: clinical testing. Allele origin: germline.

NM_007327.4(GRIN1):c.2352C>T (p.Phe784=)

Gene: GRIN1 (glutamate ionotropic receptor NMDA type subunit 1; plus strand). Cytogenetic location: 9q34.3.
Variant type: single nucleotide variant.
Coding change: c.2352C>T on transcript NM_007327.4 (MANE Select); coding-DNA position 2352, C replaced by T.
Protein change: p.Phe784=; no amino-acid change (phenylalanine 784 retained).
Molecular consequence: synonymous variant.
Genome position (GRCh38, 1-based): chr9:137,163,577, C>T. VCF-style: chr9-137163577-C-T. GRCh37 (hg19) VCF-style: chr9-140058029-C-T.
Other names: c.2352C>T, p.Phe784= (NM_000832.7, NM_021569.4); c.2415C>T, p.Phe805= (NM_001185090.2, NM_001185091.2).
Identifiers: ClinVar variation 1126407 (VCV001126407.14), dbSNP rs763771717, ClinGen allele CA5361125.